The following is an entry in ClinVar:

ClinVar aggregate classification (germline): Uncertain significance (1 of 4 stars; one submission).

Conditions:
Pyogenic arthritis-pyoderma gangrenosum-acne syndrome (PAPA). Also called: PAPA SYNDROME; FAMILIAL RECURRENT ARTHRITIS. Identifiers: Orphanet 69126, MedGen C1858361, MONDO:0011462, OMIM 604416.

Allele frequency attached by ClinVar (database versions not stated): gnomAD exomes below 0.00001 and 0.00002; TOPMed below 0.00001; gnomAD 0.00001.

Submission:

Labcorp Genetics (formerly Invitae), Labcorp
Classification: Uncertain significance for Pyogenic arthritis-pyoderma gangrenosum-acne syndrome. Last evaluated: 2025-04-08. Review status: criteria provided, single submitter. Criteria: Invitae Variant Classification Sherloc (09022015). Collection method: clinical testing. Allele origin: germline.
Comment: This sequence change replaces glutamic acid, which is acidic and polar, with lysine, which is basic and polar, at codon 85 of the PSTPIP1 protein (p.Glu85Lys). This variant is present in population databases (no rsID available, gnomAD 0.01%). This variant has not been reported in the literature in individuals affected with PSTPIP1-related conditions. ClinVar contains an entry for this variant (Variation ID: 1406566). Invitae Evidence Modeling of protein sequence and biophysical properties (such as structural, functional, and spatial information, amino acid conservation, physicochemical variation, residue mobility, and thermodynamic stability) has been performed for this missense variant. However, the output from this modeling did not meet the statistical confidence thresholds required to predict the impact of this variant on PSTPIP1 protein function. In summary, the available evidence is currently insufficient to determine the role of this variant in disease. Therefore, it has been classified as a Variant of Uncertain Significance.

NM_003978.5(PSTPIP1):c.253G>A (p.Glu85Lys)

Gene: PSTPIP1 (proline-serine-threonine phosphatase interacting protein 1; plus strand). Cytogenetic location: 15q24.3.
Variant type: single nucleotide variant.
Coding change: c.253G>A on transcript NM_003978.5 (MANE Select); coding-DNA position 253, G replaced by A.
Protein change: p.Glu85Lys; replaces glutamic acid 85 with lysine.
Molecular consequence: missense variant. On other transcripts: non-coding transcript variant (1).
Genome position (GRCh38, 1-based): chr15:77,025,503, G>A. VCF-style: chr15-77025503-G-A. GRCh37 (hg19) VCF-style: chr15-77317844-G-A.
Other names: c.253G>A, p.Glu85Lys (NM_001321135.2); c.226G>A, p.Glu76Lys (NM_001321136.2); c.448G>A, p.Glu150Lys (NM_001321137.1); short protein forms E85K, E150K, E76K.
Identifiers: ClinVar variation 1406566 (VCV001406566.8), dbSNP rs1433818911, ClinGen allele CA393518742.
Genomic context (GRCh38, chr15:77,025,503, plus strand): 5'-GGCTGAGGCCCATCAGATCTGACACTGGGGACCAGTATCCATGCTCTGCCCCCAGAAATG[G>A]AGAATGTGGGCAGCTCACACATCCAGCTGGCCCTGACCCTGCGTGAGGAGCTGCGGAGTC-3'
Protein context (NP_003969.2, residues 75-95): ASFDSLKQQM[Glu85Lys]NVGSSHIQLA